The following is an entry in ClinVar:

NM_001267550.2(TTN):c.89572del (p.Gln29858fs)

Genes: TTN (titin; minus strand), TTN-AS1 (TTN antisense RNA 1; plus strand). Cytogenetic location: 2q31.2.
Variant type: Deletion.
Coding change: c.89572del on transcript NM_001267550.2 (MANE Select); coding-DNA position 89572, one base deleted (C; older notation c.89572delC).
Protein change: p.Gln29858fs; shifts the reading frame from glutamine 29858.
Molecular consequence: frameshift variant.
Genome position (GRCh38, 1-based): chr2:178,553,328, G deleted on the plus strand (C on the coding strand, the reverse complement: TTN is on the minus strand). VCF-style (leftmost placement, unchanged base first): chr2-178553327-TG-T. GRCh37 (hg19) VCF-style: chr2-179418054-TG-T.
Other names: c.84649del, p.Gln28217fs (NM_001256850.1); c.62377del, p.Gln20793fs (NM_003319.4); c.81868del, p.Gln27290fs (NM_133378.4); c.62752del, p.Gln20918fs (NM_133432.3); c.62953del, p.Gln20985fs (NM_133437.4); short protein forms Q20793fs, Q20918fs, Q20985fs, Q27290fs, Q28217fs, Q29858fs.
Identifiers: ClinVar variation 4292935 (VCV004292935.1).

ClinVar aggregate classification (germline): Likely pathogenic (1 of 4 stars; one submission).

Conditions:
Dilated cardiomyopathy 1G (CMD1G). Identifiers: Orphanet 154, MedGen C1858763, MONDO:0011400, OMIM 604145.

Submission:

3billion
Classification: Likely pathogenic for Dilated cardiomyopathy 1G. Last evaluated: 2025-02-11. Review status: criteria provided, single submitter. Criteria: ACMG Guidelines, 2015. Collection method: clinical testing. Allele origin: germline. Affected: yes.
Comment: The variant is not observed in the gnomAD v4.1.0 dataset. Predicted Consequence/Location: Frameshift: predicted to result in a loss or disruption of normal protein function through nonsense-mediated decay (NMD) or protein truncation. Multiple pathogenic variants are reported downstream of the variant. Therefore, this variant is classified as Likely pathogenic according to the recommendation of ACMG/AMP guideline.